The following is an entry in ClinVar:

ClinVar aggregate classification (germline): Likely benign. Review status: criteria provided, multiple submitters, no conflicts (2 of 4 stars). 4 submissions from 4 submitters: Likely benign (3). 1 of the submissions does not count toward it. Last evaluated 2026-05-06.

Conditions:
HNRNPDL-related disorder. Also called: HNRNPDL-related condition.
Autosomal dominant limb-girdle muscular dystrophy type 1G (LGMDD3). Also called: Limb-girdle muscular dystrophy, type 1G; MUSCULAR DYSTROPHY, LIMB-GIRDLE, AUTOSOMAL DOMINANT 3. Identifiers: Orphanet 55596, MedGen C1836765, MONDO:0012193, OMIM 609115.

Allele frequency attached by ClinVar (database versions not stated): ExAC below 0.00001; gnomAD exomes 0.00005 and 0.00017; TOPMed 0.00007; gnomAD 0.00016.
gnomAD v4.1: 237 of 1,389,594 alleles (0.017%); highest among the groups gnomAD compares: Non-Finnish European, 0.021%; no homozygotes.

Submissions (4):

Women's Health and Genetics/Laboratory Corporation of America, LabCorp
Classification: Likely benign. Last evaluated: 2026-05-06. Review status: criteria provided, single submitter. Criteria: LabCorp Variant Classification Summary - May 2015. Collection method: clinical testing. Allele origin: germline.

Labcorp Genetics (formerly Invitae), Labcorp
Classification: Likely benign for Autosomal dominant limb-girdle muscular dystrophy type 1G. Last evaluated: 2025-08-18. Review status: criteria provided, single submitter. Criteria: Invitae Variant Classification Sherloc (09022015). Collection method: clinical testing. Allele origin: germline.

CeGaT Center for Human Genetics Tuebingen
Classification: Likely benign. Last evaluated: 2025-03-01. Review status: criteria provided, single submitter. Criteria: CeGaT Center For Human Genetics Tuebingen Variant Classification Criteria Version 2. Collection method: clinical testing. Allele origin: germline. Affected: yes. Observed: 1 variant allele.
Comment: HNRNPDL: BP4, BP7

PreventionGenetics, part of Exact Sciences
Classification: Likely benign for HNRNPDL-related condition. Last evaluated: 2019-12-07. Review status: no assertion criteria provided. Collection method: clinical testing. Allele origin: germline. Not counted in ClinVar's aggregate classification.
Comment: This variant is classified as likely benign based on ACMG/AMP sequence variant interpretation guidelines (Richards et al. 2015 PMID: 25741868, with internal and published modifications).

NM_031372.4(HNRNPDL):c.114A>G (p.Leu38=)

Gene: HNRNPDL (heterogeneous nuclear ribonucleoprotein D like; minus strand). Cytogenetic location: 4q21.22.
Variant type: single nucleotide variant.
Coding change: c.114A>G on transcript NM_031372.4 (MANE Select); coding-DNA position 114, A replaced by G.
Protein change: p.Leu38=; no amino-acid change (leucine 38 retained).
Molecular consequence: synonymous variant. On other transcripts: non-coding transcript variant (1).
Genome position (GRCh38, 1-based): chr4:82,429,577, T>C on the plus strand (A>G on the coding strand, the complement: HNRNPDL is on the minus strand). VCF-style: chr4-82429577-T-C. GRCh37 (hg19) VCF-style: chr4-83350730-T-C.
Other names: c.114A>G, p.Leu38= (NM_001207000.1).
Identifiers: ClinVar variation 464380 (VCV000464380.22), dbSNP rs771120108, ClinGen allele CA2985141.